The following is an entry in ClinVar:

NM_000059.4(BRCA2):c.5925T>C (p.Cys1975=)

Gene: BRCA2 (BRCA2 DNA repair associated; plus strand). Cytogenetic location: 13q13.1.
Variant type: single nucleotide variant.
Coding change: c.5925T>C on transcript NM_000059.4 (MANE Select); coding-DNA position 5925, T replaced by C.
Protein change: p.Cys1975=; no amino-acid change (cysteine 1975 retained).
Molecular consequence: synonymous variant.
Genome position (GRCh38, 1-based): chr13:32,340,280, T>C. VCF-style: chr13-32340280-T-C. GRCh37 (hg19) VCF-style: chr13-32914417-T-C.
Identifiers: ClinVar variation 427537 (VCV000427537.5), dbSNP rs80358825, ClinGen allele CA6940913.
Genomic context (GRCh38, chr13:32,340,280, plus strand): 5'-AGATATATGTAAATGTAGTATAGGGAAGCTTCATAAGTCAGTCTCATCTGCAAATACTTG[T>C]GGGATTTTTAGCACAGCAAGTGGAAAATCTGTCCAGGTATCAGATGCTTCATTACAAAAC-3'
Protein context (NP_000050.3, residues 1965-1985): LHKSVSSANT[Cys1975=]GIFSTASGKS

ClinVar aggregate classification (germline): Likely benign. Review status: reviewed by expert panel (3 of 4 stars). 2 submissions from 2 submitters: Likely benign (1). 1 of the submissions does not count toward it. Last evaluated 2017-06-29.

Conditions:
Breast-ovarian cancer, familial, susceptibility to, 2 (BROVCA2). Also called: BRCA2 Hereditary Breast and Ovarian Cancer. Identifiers: Orphanet 145, MedGen C2675520, MONDO:0012933, OMIM 612555. Disease mechanism: loss of function.
Hereditary breast ovarian cancer syndrome. Also called: BRCA1- and BRCA2-Associated Hereditary Breast and Ovarian Cancer; Hereditary breast and/or ovarian cancer syndrome; Hereditary breast and ovarian cancer; Hereditary breast and ovarian cancer syndrome; Hereditary breast and ovarian cancer syndrome (HBOC); Breast and ovarian cancer. Identifiers: Orphanet 145, MedGen C0677776, MeSH D061325, MONDO:0003582. Disease mechanism: loss of function.

Allele frequency attached by ClinVar (database versions not stated): gnomAD exomes below 0.00001; ExAC 0.00001.
gnomAD v4.1: 3 of 1,613,956 alleles (0.00019%); highest among the groups gnomAD compares: South Asian, 0.0033%; no homozygotes.

Submissions (2):

Evidence-based Network for the Interpretation of Germline Mutant Alleles (ENIGMA)
Classification: Likely benign for Breast-ovarian cancer, familial, susceptibility to, 2. Last evaluated: 2017-06-29. Review status: reviewed by expert panel. Criteria: ENIGMA BRCA1/2 Classification Criteria (2017-06-29). Collection method: curation. Allele origin: germline.
Comment: Synonymous substitution variant, with low bioinformatic likelihood to result in a splicing aberration (Splicing prior probability 0.02).

Labcorp Genetics (formerly Invitae), Labcorp
Classification: Likely benign for Hereditary breast ovarian cancer syndrome. Last evaluated: 2025-07-31. Review status: criteria provided, single submitter. Criteria: Invitae Variant Classification Sherloc (09022015). Collection method: clinical testing. Allele origin: germline. Not counted in ClinVar's aggregate classification.